The following is an entry in ClinVar:

ClinVar aggregate classification (germline): Uncertain significance (1 of 4 stars; one submission).

Submission:

GeneDx
Classification: Uncertain significance. Last evaluated: 2020-01-24. Review status: criteria provided, single submitter. Criteria: GeneDx Variant Classification Process June 2021. Collection method: clinical testing. Allele origin: germline. Affected: yes.
Comment: Not observed in large population cohorts (Lek et al., 2016); Has not been previously published as pathogenic or benign to our knowledge; In silico analysis, which includes protein predictors and evolutionary conservation, supports that this variant does not alter protein structure/function

NM_001032382.2(PQBP1):c.502G>A (p.Ala168Thr)

Gene: PQBP1 (polyglutamine binding protein 1; plus strand). Cytogenetic location: Xp11.23.
Variant type: single nucleotide variant.
Coding change: c.502G>A on transcript NM_001032382.2 (MANE Select); coding-DNA position 502, G replaced by A.
Protein change: p.Ala168Thr; replaces alanine 168 with threonine.
Molecular consequence: missense variant. On other transcripts: intron variant (1).
Genome position (GRCh38, 1-based): chrX:48,902,442, G>A. VCF-style: chrX-48902442-G-A. GRCh37 (hg19) VCF-style: chrX-48759719-G-A.
Other names: c.502G>A, p.Ala168Thr (NM_001032381.2, NM_001032383.2, NM_001032384.1 and 2 more transcripts); c.478G>A, p.Ala160Thr (NM_001167990.2); c.202G>A, p.Ala68Thr (NM_001167992.1); c.293-290G>A (NM_144495.3); short protein forms A160T, A168T, A68T.
Identifiers: ClinVar variation 1311502 (VCV001311502.2), dbSNP rs2147475130, ClinGen allele CA412890497.